The following is an entry in ClinVar:

ClinVar aggregate classification (germline): Conflicting classifications of pathogenicity. Review status: criteria provided, conflicting classifications (1 of 4 stars). 3 submissions from 3 submitters: Uncertain significance (1); Likely benign (1). 1 of the submissions does not count toward it. Last evaluated 2025-11-01.

Conditions:
FREM1-related disorder. Also called: FREM1-related condition; FREM1-Related Disorders.

Allele frequency attached by ClinVar (database versions not stated): gnomAD 0.00001; TOPMed 0.00001; ExAC 0.00007.
gnomAD v4.1: 23 of 1,572,814 alleles (0.0015%); highest among the groups gnomAD compares: Middle Eastern, 0.05%; no homozygotes.

Submissions (3):

CeGaT Center for Human Genetics Tuebingen
Classification: Uncertain significance. Last evaluated: 2025-11-01. Review status: criteria provided, single submitter. Criteria: CeGaT Center For Human Genetics Tuebingen Variant Classification Criteria Version 2. Collection method: clinical testing. Allele origin: germline. Affected: yes. Observed: 1 variant allele.
Comment: FREM1: PM2, BP4

Labcorp Genetics (formerly Invitae), Labcorp
Classification: Likely benign. Last evaluated: 2025-03-12. Review status: criteria provided, single submitter. Criteria: Invitae Variant Classification Sherloc (09022015). Collection method: clinical testing. Allele origin: germline.

PreventionGenetics, part of Exact Sciences
Classification: Likely benign for FREM1-related condition. Last evaluated: 2020-07-23. Review status: no assertion criteria provided. Collection method: clinical testing. Allele origin: germline. Not counted in ClinVar's aggregate classification.
Comment: This variant is classified as likely benign based on ACMG/AMP sequence variant interpretation guidelines (Richards et al. 2015 PMID: 25741868, with internal and published modifications).

NM_001379081.2(FREM1):c.5335-8C>A

Gene: FREM1 (FRAS1 related extracellular matrix 1; minus strand). Cytogenetic location: 9p22.3.
Variant type: single nucleotide variant.
Coding change: c.5335-8C>A on transcript NM_001379081.2 (MANE Select); 8 bases into the intron before coding-DNA position 5335, C replaced by A.
Molecular consequence: intron variant.
Genome position (GRCh38, 1-based): chr9:14,756,454, G>T on the plus strand (C>A on the coding strand, the complement: FREM1 is on the minus strand). VCF-style: chr9-14756454-G-T. GRCh37 (hg19) VCF-style: chr9-14756452-G-T.
Other names: c.5335-8C>A (NM_144966.5, NM_144966.7); c.943-8C>A (NM_001370061.2, NM_001370058.2, NM_001177704.3).
Identifiers: ClinVar variation 1917047 (VCV001917047.13), dbSNP rs551754962, ClinGen allele CA4989786.